The following is an entry in ClinVar:

NM_000455.5(STK11):c.877G>A (p.Glu293Lys)

Gene: STK11 (serine/threonine kinase 11; plus strand). Cytogenetic location: 19p13.3.
Variant type: single nucleotide variant.
Coding change: c.877G>A on transcript NM_000455.5 (MANE Select); coding-DNA position 877, G replaced by A.
Protein change: p.Glu293Lys; replaces glutamic acid 293 with lysine.
Molecular consequence: missense variant.
Genome position (GRCh38, 1-based): chr19:1,221,963, G>A. VCF-style: chr19-1221963-G-A. GRCh37 (hg19) VCF-style: chr19-1221962-G-A.
Other names: short protein forms E293K.
Identifiers: ClinVar variation 142641 (VCV000142641.22), dbSNP rs398123405, ClinGen allele CA023320.

ClinVar aggregate classification (germline): Conflicting classifications of pathogenicity. Review status: criteria provided, conflicting classifications (1 of 4 stars). 7 submissions from 7 submitters: Uncertain significance (5); Likely benign (2). Last evaluated 2025-01-28.

Conditions:
Hereditary cancer-predisposing syndrome. Also called: Neoplastic Syndromes, Hereditary; Hereditary Cancer Syndrome; Tumor predisposition; Hereditary neoplastic syndrome. Identifiers: Orphanet 140162, MedGen C0027672, MeSH D009386, MONDO:0015356.
Peutz-Jeghers syndrome (PJS). Also called: Peutz-Jeghers polyposis; Periorificial lentiginosis syndrome; POLYPOSIS, HAMARTOMATOUS INTESTINAL; POLYPS-AND-SPOTS SYNDROME. Identifiers: Orphanet 2869, MedGen C0031269, MeSH D010580, MONDO:0008280, OMIM 175200.

Allele frequency attached by ClinVar (database versions not stated): gnomAD exomes 0.00001; ExAC 0.00005.

Submissions (7):

Color Diagnostics, LLC DBA Color Health
Classification: Likely benign for Hereditary cancer-predisposing syndrome. Last evaluated: 2025-01-28. Review status: criteria provided, single submitter. Criteria: ACMG Guidelines, 2015. Collection method: clinical testing. Allele origin: germline.

Labcorp Genetics (formerly Invitae), Labcorp
Classification: Uncertain significance for Peutz-Jeghers syndrome. Last evaluated: 2024-12-04. Review status: criteria provided, single submitter. Criteria: Invitae Variant Classification Sherloc (09022015). Collection method: clinical testing. Allele origin: germline.
Comment: This sequence change replaces glutamic acid, which is acidic and polar, with lysine, which is basic and polar, at codon 293 of the STK11 protein (p.Glu293Lys). The frequency data for this variant in the population databases is considered unreliable, as metrics indicate poor data quality at this position in the gnomAD database. This missense change has been observed in individual(s) with breast cancer (PMID: 35264596). ClinVar contains an entry for this variant (Variation ID: 142641). Invitae Evidence Modeling of protein sequence and biophysical properties (such as structural, functional, and spatial information, amino acid conservation, physicochemical variation, residue mobility, and thermodynamic stability) has been performed for this missense variant. However, the output from this modeling did not meet the statistical confidence thresholds required to predict the impact of this variant on STK11 protein function. In summary, the available evidence is currently insufficient to determine the role of this variant in disease. Therefore, it has been classified as a Variant of Uncertain Significance.

Blueprint Genetics
Classification: Uncertain significance. Last evaluated: 2024-02-21. Review status: criteria provided, single submitter. Criteria: ACMG Guidelines, 2015. Collection method: clinical testing. Allele origin: germline.

Ambry Genetics
Classification: Likely benign for Hereditary cancer-predisposing syndrome. Last evaluated: 2023-09-12. Review status: criteria provided, single submitter. Criteria: Ambry Variant Classification Scheme 2023. Collection method: clinical testing. Allele origin: germline.

All of Us Research Program, National Institutes of Health
Classification: Uncertain significance for Peutz-Jeghers syndrome. Last evaluated: 2023-06-28. Review status: criteria provided, single submitter. Criteria: ACMG Guidelines, 2015. Collection method: clinical testing. Allele origin: germline. Inheritance: Autosomal dominant inheritance. Observed: 1 variant allele, 1 heterozygote.
Comment: This missense variant replaces glutamic acid with lysine at codon 293 of the STK11 protein. Computational prediction suggests that this variant may not impact protein structure and function (internally defined REVEL score threshold <= 0.5, PMID: 27666373). To our knowledge, functional studies have not been reported for this variant. This variant has not been reported in individuals affected with hereditary cancer in the literature. This variant has been identified in 2/172130 chromosomes in the general population by the Genome Aggregation Database (gnomAD). The available evidence is insufficient to determine the role of this variant in disease conclusively. Therefore, this variant is classified as a Variant of Uncertain Significance.

This study involves interpretation of variants in research participants for the purpose of population health screening. Participant phenotype was not available at the time of variant classification. Additional details can be found in publication PMID: 35346344, PMCID: PMC8962531

Genome-Nilou Lab
Classification: Uncertain significance for Peutz-Jeghers syndrome. Last evaluated: 2021-07-15. Review status: criteria provided, single submitter. Criteria: ACMG Guidelines, 2015. Collection method: clinical testing. Allele origin: germline. Affected: no.

Mendelics
Classification: Uncertain significance for Peutz-Jeghers syndrome. Last evaluated: 2018-07-02. Review status: criteria provided, single submitter. Criteria: Mendelics Assertion Criteria 2017. Collection method: clinical testing. Allele origin: unknown.

Literature cited by the submitters: PubMed 35264596 (cited by Labcorp Genetics (formerly Invitae), Labcorp).